The following is an entry in ClinVar:

ClinVar aggregate classification (germline): Uncertain significance. Review status: criteria provided, multiple submitters, no conflicts (2 of 4 stars). 2 submissions from 2 submitters: Uncertain significance (2). Last evaluated 2025-12-01.

gnomAD v4.1: 6 of 1,611,066 alleles (0.00037%); highest among the groups gnomAD compares: African/African-American, 0.0067%; no homozygotes.

Submissions (2):

Labcorp Genetics (formerly Invitae), Labcorp
Classification: Uncertain significance. Last evaluated: 2025-12-01. Review status: criteria provided, single submitter. Criteria: Invitae Variant Classification Sherloc (09022015). Collection method: clinical testing. Allele origin: germline.
Comment: This sequence change replaces arginine, which is basic and polar, with histidine, which is basic and polar, at codon 328 of the KLF1 protein (p.Arg328His). This variant is present in population databases (rs140252918, gnomAD 0.01%). This missense change has been observed in individual(s) with KLF1-related conditions (PMID: 18487511, 22102705, 25694242, 27282573, 28194794, 37507221). ClinVar contains an entry for this variant (Variation ID: 3723434). Invitae Evidence Modeling of protein sequence and biophysical properties (such as structural, functional, and spatial information, amino acid conservation, physicochemical variation, residue mobility, and thermodynamic stability) indicates that this missense variant is expected to disrupt KLF1 protein function with a positive predictive value of 80%. Experimental studies have shown that this missense change affects KLF1 function (PMID: 21778342). In summary, the available evidence is currently insufficient to determine the role of this variant in disease. Therefore, it has been classified as a Variant of Uncertain Significance.

Mayo Clinic Laboratories, Mayo Clinic
Classification: Uncertain significance. Last evaluated: 2025-07-29. Review status: criteria provided, single submitter. Criteria: ACMG Guidelines, 2015. Collection method: clinical testing. Allele origin: germline. Observed: 1 variant allele.

Literature cited by the submitters: PubMed 18487511 (cited by Labcorp Genetics (formerly Invitae), Labcorp and Mayo Clinic Laboratories, Mayo Clinic); PubMed 22102705 (cited by Labcorp Genetics (formerly Invitae), Labcorp and Mayo Clinic Laboratories, Mayo Clinic); PubMed 25694242 (cited by Labcorp Genetics (formerly Invitae), Labcorp); PubMed 27282573 (cited by Labcorp Genetics (formerly Invitae), Labcorp); PubMed 28194794 (cited by Labcorp Genetics (formerly Invitae), Labcorp); PubMed 37507221 (cited by Labcorp Genetics (formerly Invitae), Labcorp and Mayo Clinic Laboratories, Mayo Clinic); PubMed 21778342 (cited by Labcorp Genetics (formerly Invitae), Labcorp and Mayo Clinic Laboratories, Mayo Clinic).

NM_006563.5(KLF1):c.983G>A (p.Arg328His)

Genes: KLF1 (KLF transcription factor 1; minus strand), LOC117125591 (CRISPRi-FlowFISH-validated PRDX2 and RAD23A regulatory element; plus strand). Cytogenetic location: 19p13.13.
Variant type: single nucleotide variant.
Coding change: c.983G>A on transcript NM_006563.5 (MANE Select); coding-DNA position 983, G replaced by A.
Protein change: p.Arg328His; replaces arginine 328 with histidine.
Molecular consequence: missense variant.
Genome position (GRCh38, 1-based): chr19:12,884,991, C>T on the plus strand (G>A on the coding strand, the complement: KLF1 is on the minus strand). VCF-style: chr19-12884991-C-T. GRCh37 (hg19) VCF-style: chr19-12995805-C-T.
Other names: p.Arg328His; short protein forms R328H.
Identifiers: ClinVar variation 3723434 (VCV003723434.3).
Genomic context (GRCh38, chr19:12,884,991, plus strand): 5'-AAAGCACGTGGGCAGAGCTGGCAGCGGAAGGGGCGCTGCCCCGTGTGTTTCCGGTAGTGG[C>T]GGGTCAGCTCGTCCGAGCGCGCGAATCTCCAGCCGCAGCCTTCCCACGTGCAGGCGTATG-3'
Protein context (NP_006554.1, residues 318-338): WRFARSDELT[Arg328His]HYRKHTGQRP